The following is an entry in ClinVar:

ClinVar aggregate classification (germline): Uncertain significance (1 of 4 stars; one submission).

Submission:

Labcorp Genetics (formerly Invitae), Labcorp
Classification: Uncertain significance. Last evaluated: 2022-10-18. Review status: criteria provided, single submitter. Criteria: Invitae Variant Classification Sherloc (09022015). Collection method: clinical testing. Allele origin: germline.
Comment: This variant has not been reported in the literature in individuals affected with EYS-related conditions. Algorithms developed to predict the effect of missense changes on protein structure and function output the following: SIFT: "Tolerated"; PolyPhen-2: "Probably Damaging"; Align-GVGD: "Class C0". The glutamic acid amino acid residue is found in multiple mammalian species, which suggests that this missense change does not adversely affect protein function. In summary, the available evidence is currently insufficient to determine the role of this variant in disease. Therefore, it has been classified as a Variant of Uncertain Significance. This variant is not present in population databases (gnomAD no frequency). This sequence change replaces lysine, which is basic and polar, with glutamic acid, which is acidic and polar, at codon 65 of the EYS protein (p.Lys65Glu).

NM_001142800.2(EYS):c.193A>G (p.Lys65Glu)

Gene: EYS (EGF-like photoreceptor maintenance factor; minus strand). Cytogenetic location: 6q12.
Variant type: single nucleotide variant.
Coding change: c.193A>G on transcript NM_001142800.2 (MANE Select); coding-DNA position 193, A replaced by G.
Protein change: p.Lys65Glu; replaces lysine 65 with glutamic acid.
Molecular consequence: missense variant.
Genome position (GRCh38, 1-based): chr6:65,495,218, T>C on the plus strand (A>G on the coding strand, the complement: EYS is on the minus strand). VCF-style: chr6-65495218-T-C. GRCh37 (hg19) VCF-style: chr6-66205111-T-C.
Other names: c.193A>G, p.Lys65Glu (NM_001142801.2, NM_001292009.2, NM_198283.2); short protein forms K65E.
Identifiers: ClinVar variation 1993848 (VCV001993848.4), dbSNP rs2533029865, ClinGen allele CA364790442.